The following is an entry in ClinVar:

ClinVar aggregate classification (germline): Uncertain significance (1 of 4 stars; one submission).

Allele frequency attached by ClinVar (database versions not stated): gnomAD exomes below 0.00001.
gnomAD v4.1: 2 of 1,605,098 alleles (0.00012%); highest among the groups gnomAD compares: Admixed American, 0.0017%; no homozygotes.

Submission:

GeneDx
Classification: Uncertain significance. Last evaluated: 2022-09-13. Review status: criteria provided, single submitter. Criteria: GeneDx Variant Classification Process June 2021. Collection method: clinical testing. Allele origin: germline. Affected: yes.
Comment: Not observed at significant frequency in large population cohorts (gnomAD); In silico analysis supports that this missense variant has a deleterious effect on protein structure/function; Has not been previously published as pathogenic or benign to our knowledge

NM_001384140.1(PCDH15):c.2869G>A (p.Gly957Arg)

Gene: PCDH15 (protocadherin related 15; minus strand). Cytogenetic location: 10q21.1.
Variant type: single nucleotide variant.
Coding change: c.2869G>A on transcript NM_001384140.1 (MANE Select); coding-DNA position 2869, G replaced by A.
Protein change: p.Gly957Arg; replaces glycine 957 with arginine.
Molecular consequence: missense variant.
Genome position (GRCh38, 1-based): chr10:53,961,892, C>T on the plus strand (G>A on the coding strand, the complement: PCDH15 is on the minus strand). VCF-style: chr10-53961892-C-T. GRCh37 (hg19) VCF-style: chr10-55721652-C-T.
Other names: c.2884G>A, p.Gly962Arg (NM_001142763.2, NM_001142771.2); c.2869G>A, p.Gly957Arg (NM_001142764.2, NM_001142766.2, NM_001142770.3 and 4 more transcripts); c.2656G>A, p.Gly886Arg (NM_001142765.2); c.2758G>A, p.Gly920Arg (NM_001142767.2); c.2803G>A, p.Gly935Arg (NM_001142768.2, NM_001142773.2, NM_001354404.2); c.2905G>A, p.Gly969Arg (NM_001142769.4); c.2890G>A, p.Gly964Arg (NM_001354411.2); short protein forms G886R, G920R, G935R, G957R, G962R, G964R, G969R.
Identifiers: ClinVar variation 2443390 (VCV002443390.1), dbSNP rs2495141956, ClinGen allele CA376522068.